The following is an entry in ClinVar:

ClinVar aggregate classification (germline): Conflicting classifications of pathogenicity. Review status: criteria provided, conflicting classifications (1 of 4 stars). 2 submissions from 2 submitters: Likely pathogenic (1); Uncertain significance (1). Last evaluated 2022-05-13.

Conditions:
Seckel syndrome 4 (SCKL4). Identifiers: Orphanet 808, MedGen C3888212, MONDO:0013358, OMIM 613676.

Submissions (2):

Labcorp Genetics (formerly Invitae), Labcorp
Classification: Uncertain significance. Last evaluated: 2022-05-13. Review status: criteria provided, single submitter. Criteria: Invitae Variant Classification Sherloc (09022015). Collection method: clinical testing. Allele origin: germline.
Comment: In summary, the available evidence is currently insufficient to determine the role of this variant in disease. Therefore, it has been classified as a Variant of Uncertain Significance. Experimental studies and prediction algorithms are not available or were not evaluated, and the functional significance of this variant is currently unknown. ClinVar contains an entry for this variant (Variation ID: 210667). This variant has not been reported in the literature in individuals affected with CENPJ-related conditions. This variant is present in population databases (rs776528706, gnomAD 0.006%). This variant, c.3495_3497dup, results in the insertion of 1 amino acid(s) of the CENPJ protein (p.Lys1165dup), but otherwise preserves the integrity of the reading frame.

Genetic Services Laboratory, University of Chicago
Classification: Likely pathogenic for Seckel syndrome 4. Last evaluated: 2014-11-26. Review status: criteria provided, single submitter. Criteria: ACMG Guidelines, 2015. Collection method: clinical testing. Allele origin: germline. Affected: yes.

NM_018451.5(CPAP):c.3495_3497dup (p.Lys1165dup)

Genes: CPAP (centrosome assembly and centriole elongation protein; minus strand), RNF17 (ring finger protein 17; plus strand). Cytogenetic location: 13q12.12.
Variant type: Duplication.
Coding change: c.3495_3497dup on transcript NM_018451.5 (MANE Select); coding-DNA positions 3495 to 3497, 3 bases duplicated (GAA; older notation c.3495_3497dupGAA).
Protein change: p.Lys1165dup; duplicates lysine 1165.
Molecular consequence: inframe insertion. On other transcripts: non-coding transcript variant (2).
Genome position (GRCh38, 1-based): chr13:24,884,444-24,884,446, TTC duplicated on the plus strand (GAA on the coding strand, the reverse complement: CPAP is on the minus strand); duplicating any 3 consecutive bases within chr13:24,884,444-24,884,448 gives the same sequence; the c. name uses the placement nearest the transcript's 3' end. VCF-style (leftmost placement, unchanged base first): chr13-24884443-A-ATTC. GRCh37 (hg19) VCF-style: chr13-25458581-A-ATTC.
Identifiers: ClinVar variation 210667 (VCV000210667.11), dbSNP rs776528706, ClinGen allele CA249680.
Genomic context (GRCh38, chr13:24,884,443, plus strand): 5'-CTTCCCATCTGCACTCACTTCCTTTCGAGTTCCATTGGGAAACAGTATAACACGGCACCC[A>ATTC]TTCTTATAAACCTTTTCCACCTAAAAAACCAACACAAGATTATCACCTAAGATTTTCTCC-3'